The following is an entry in ClinVar:

NM_053025.4(MYLK):c.1219G>A (p.Gly407Ser)

Gene: MYLK (myosin light chain kinase; minus strand). Cytogenetic location: 3q21.1.
Variant type: single nucleotide variant.
Coding change: c.1219G>A on transcript NM_053025.4 (MANE Select); coding-DNA position 1219, G replaced by A.
Protein change: p.Gly407Ser; replaces glycine 407 with serine.
Molecular consequence: missense variant.
Genome position (GRCh38, 1-based): chr3:123,733,777, C>T on the plus strand (G>A on the coding strand, the complement: MYLK is on the minus strand). VCF-style: chr3-123733777-C-T. GRCh37 (hg19) VCF-style: chr3-123452624-C-T.
Other names: c.691G>A, p.Gly231Ser (NM_001321309.2); c.1219G>A, p.Gly407Ser (NM_053026.4, NM_053027.4, NM_053028.4); short protein forms G407S, G231S.
Identifiers: ClinVar variation 471699 (VCV000471699.8), dbSNP rs199719143, ClinGen allele CA82942906.

ClinVar aggregate classification (germline): Uncertain significance (1 of 4 stars; one submission).

Conditions:
Aortic aneurysm, familial thoracic 7 (AAT7). Also called: AORTIC DISSECTION, FAMILIAL, WITH OR WITHOUT AORTIC ANEURYSM. Identifiers: MedGen C3151077, MONDO:0013418, OMIM 613780.

Allele frequency attached by ClinVar (database versions not stated): 1000 Genomes Project 30x 0.00016.
gnomAD v4.1: 7 of 1,614,198 alleles (0.00043%); highest among the groups gnomAD compares: African/African-American, 0.008%; no homozygotes.

Submission:

Labcorp Genetics (formerly Invitae), Labcorp
Classification: Uncertain significance for Aortic aneurysm, familial thoracic 7. Last evaluated: 2025-05-19. Review status: criteria provided, single submitter. Criteria: Invitae Variant Classification Sherloc (09022015). Collection method: clinical testing. Allele origin: germline.
Comment: This sequence change replaces glycine, which is neutral and non-polar, with serine, which is neutral and polar, at codon 407 of the MYLK protein (p.Gly407Ser). This variant is not present in population databases (gnomAD no frequency). This variant has not been reported in the literature in individuals affected with MYLK-related conditions. ClinVar contains an entry for this variant (Variation ID: 471699). Invitae Evidence Modeling of protein sequence and biophysical properties (such as structural, functional, and spatial information, amino acid conservation, physicochemical variation, residue mobility, and thermodynamic stability) indicates that this missense variant is not expected to disrupt MYLK protein function with a negative predictive value of 95%. In summary, the available evidence is currently insufficient to determine the role of this variant in disease. Therefore, it has been classified as a Variant of Uncertain Significance.